The following is an entry in ClinVar:

NM_199355.4(ADAMTS18):c.2585A>T (p.Lys862Met)

Gene: ADAMTS18 (ADAM metallopeptidase with thrombospondin type 1 motif 18; minus strand). Cytogenetic location: 16q23.1.
Variant type: single nucleotide variant.
Coding change: c.2585A>T on transcript NM_199355.4 (MANE Select); coding-DNA position 2585, A replaced by T.
Protein change: p.Lys862Met; replaces lysine 862 with methionine.
Molecular consequence: missense variant.
Genome position (GRCh38, 1-based): chr16:77,300,352, T>A on the plus strand (A>T on the coding strand, the complement: ADAMTS18 is on the minus strand). VCF-style: chr16-77300352-T-A. GRCh37 (hg19) VCF-style: chr16-77334249-T-A.
Other names: c.2069A>T, p.Lys690Met (NM_001326358.2); short protein forms K690M, K862M.
Identifiers: ClinVar variation 1515931 (VCV001515931.4), dbSNP rs1231080833, ClinGen allele CA396823741.

ClinVar aggregate classification (germline): Uncertain significance (1 of 4 stars; one submission).

Allele frequency attached by ClinVar (database versions not stated): gnomAD exomes below 0.00001 and 0.00001; gnomAD 0.00001; TOPMed 0.00001.
gnomAD v4.1: 13 of 1,613,894 alleles (0.00081%); highest among the groups gnomAD compares: Non-Finnish European, 0.0011%; no homozygotes.

Submission:

Labcorp Genetics (formerly Invitae), Labcorp
Classification: Uncertain significance. Last evaluated: 2022-08-09. Review status: criteria provided, single submitter. Criteria: Invitae Variant Classification Sherloc (09022015). Collection method: clinical testing. Allele origin: germline.
Comment: This variant is present in population databases (no rsID available, gnomAD 0.0009%). In summary, the available evidence is currently insufficient to determine the role of this variant in disease. Therefore, it has been classified as a Variant of Uncertain Significance. Algorithms developed to predict the effect of missense changes on protein structure and function are either unavailable or do not agree on the potential impact of this missense change (SIFT: "Not Available"; PolyPhen-2: "Possibly Damaging"; Align-GVGD: "Not Available"). ClinVar contains an entry for this variant (Variation ID: 1515931). This variant has not been reported in the literature in individuals affected with ADAMTS18-related conditions. This sequence change replaces lysine with methionine at codon 862 of the ADAMTS18 protein (p.Lys862Met). The lysine residue is moderately conserved and there is a moderate physicochemical difference between lysine and methionine.